The following is an entry in ClinVar:

NM_174916.3(UBR1):c.86G>A (p.Trp29Ter)

Gene: UBR1 (ubiquitin protein ligase E3 component n-recognin 1; minus strand). Cytogenetic location: 15q15.2.
Variant type: single nucleotide variant.
Coding change: c.86G>A on transcript NM_174916.3 (MANE Select); coding-DNA position 86, G replaced by A.
Protein change: p.Trp29Ter; replaces tryptophan 29 with a stop codon.
Molecular consequence: nonsense.
Genome position (GRCh38, 1-based): chr15:43,086,236, C>T on the plus strand (G>A on the coding strand, the complement: UBR1 is on the minus strand). VCF-style: chr15-43086236-C-T. GRCh37 (hg19) VCF-style: chr15-43378434-C-T.
Other names: short protein forms W29*.
Identifiers: ClinVar variation 2875291 (VCV002875291.3), dbSNP rs1260647938, ClinGen allele CA392087074.
Genomic context (GRCh38, chr15:43,086,236, plus strand): 5'-TCTGGCACCAATTGTGCCAAATGATGCAAGAAAGCAGTATAAAAATCAACTTGCTGATCC[C>T]ACCACTAAAAGAAAAGAAGATGAAAATTAGACTGACTTACAAGTTCCTTCTTAATCATCT-3'

ClinVar aggregate classification (germline): Pathogenic (1 of 4 stars; one submission).

Allele frequency attached by ClinVar (database versions not stated): gnomAD exomes below 0.00001.

Submission:

Labcorp Genetics (formerly Invitae), Labcorp
Classification: Pathogenic. Last evaluated: 2023-12-28. Review status: criteria provided, single submitter. Criteria: Invitae Variant Classification Sherloc (09022015). Collection method: clinical testing. Allele origin: germline.
Comment: This sequence change creates a premature translational stop signal (p.Trp29*) in the UBR1 gene. It is expected to result in an absent or disrupted protein product. Loss-of-function variants in UBR1 are known to be pathogenic (PMID: 24599544). This variant is present in population databases (no rsID available, gnomAD 0.003%). This variant has not been reported in the literature in individuals affected with UBR1-related conditions. For these reasons, this variant has been classified as Pathogenic.

Literature cited by the submitters: PubMed 24599544.